The following is an entry in ClinVar:

NM_001374828.1(ARID1B):c.4511G>T (p.Gly1504Val)

Gene: ARID1B (AT-rich interaction domain 1B; plus strand). Cytogenetic location: 6q25.3.
Variant type: single nucleotide variant.
Coding change: c.4511G>T on transcript NM_001374828.1 (MANE Select); coding-DNA position 4511, G replaced by T.
Protein change: p.Gly1504Val; replaces glycine 1504 with valine.
Molecular consequence: missense variant.
Genome position (GRCh38, 1-based): chr6:157,200,736, G>T. VCF-style: chr6-157200736-G-T. GRCh37 (hg19) VCF-style: chr6-157521870-G-T.
Other names: c.4262G>T, p.Gly1421Val (NM_001346813.1); c.2012G>T, p.Gly671Val (NM_001363725.2); c.4391G>T, p.Gly1464Val (NM_001371656.1, NM_001374820.1); c.4352G>T, p.Gly1451Val (NM_017519.3); c.4142G>T, p.Gly1381Val (NM_020732.3); c.3929G>T, p.Gly1310Val (NM_175863.2); short protein forms G1464V, G1504V, G671V, G1381V, G1310V, G1421V, G1451V.
Identifiers: ClinVar variation 2164018 (VCV002164018.6), dbSNP rs1160190476, ClinGen allele CA366240749.

ClinVar aggregate classification (germline): Uncertain significance. Review status: criteria provided, multiple submitters, no conflicts (2 of 4 stars). 3 submissions from 3 submitters: Uncertain significance (3). Last evaluated 2025-06-03.

Conditions:
Inborn genetic diseases. Identifiers: MedGen C0950123, MeSH D030342.

Allele frequency attached by ClinVar (database versions not stated): TOPMed 0.00001; gnomAD 0.00002; gnomAD exomes 0.00002.
gnomAD v4.1: 27 of 1,612,880 alleles (0.0017%); highest among the groups gnomAD compares: Non-Finnish European, 0.0019%; no homozygotes.

Submissions (3):

Ambry Genetics
Classification: Uncertain significance for Inborn genetic diseases. Last evaluated: 2025-06-03. Review status: criteria provided, single submitter. Criteria: Ambry Variant Classification Scheme 2023. Collection method: clinical testing. Allele origin: germline.

GeneDx
Classification: Uncertain significance. Last evaluated: 2024-11-07. Review status: criteria provided, single submitter. Criteria: GeneDx Variant Classification Process June 2021. Collection method: clinical testing. Allele origin: germline. Affected: yes.
Comment: Has not been previously published as pathogenic or benign to our knowledge; In silico analysis supports that this missense variant has a deleterious effect on protein structure/function

Labcorp Genetics (formerly Invitae), Labcorp
Classification: Uncertain significance. Last evaluated: 2022-03-13. Review status: criteria provided, single submitter. Criteria: Invitae Variant Classification Sherloc (09022015). Collection method: clinical testing. Allele origin: germline.
Comment: In summary, the available evidence is currently insufficient to determine the role of this variant in disease. Therefore, it has been classified as a Variant of Uncertain Significance. Algorithms developed to predict the effect of missense changes on protein structure and function (SIFT, PolyPhen-2, Align-GVGD) all suggest that this variant is likely to be tolerated. This variant has not been reported in the literature in individuals affected with ARID1B-related conditions. This variant is present in population databases (no rsID available, gnomAD 0.007%). This sequence change replaces glycine, which is neutral and non-polar, with valine, which is neutral and non-polar, at codon 1381 of the ARID1B protein (p.Gly1381Val).